The following is an entry in ClinVar:

ClinVar aggregate classification (germline): Uncertain significance (1 of 4 stars; one submission).

Conditions:
Hypertrophic cardiomyopathy. Also called: HYPERTROPHIC MYOCARDIOPATHY. Identifiers: Orphanet 217569, MedGen C0007194, MeSH D002312, MONDO:0005045, HP:0001639.

Allele frequency attached by ClinVar (database versions not stated): gnomAD exomes below 0.00001; TOPMed below 0.00001.
gnomAD v4.1: 1 of 1,607,948 alleles (0.000062%); highest among the groups gnomAD compares: East Asian, 0.0022%; no homozygotes.

Submission:

Labcorp Genetics (formerly Invitae), Labcorp
Classification: Uncertain significance for Hypertrophic cardiomyopathy. Last evaluated: 2023-10-07. Review status: criteria provided, single submitter. Criteria: Invitae Variant Classification Sherloc (09022015). Collection method: clinical testing. Allele origin: germline.
Comment: This sequence change replaces histidine, which is basic and polar, with tyrosine, which is neutral and polar, at codon 265 of the MYOM1 protein (p.His265Tyr). This variant is present in population databases (no rsID available, gnomAD 0.006%). This variant has not been reported in the literature in individuals affected with MYOM1-related conditions. Advanced modeling of protein sequence and biophysical properties (such as structural, functional, and spatial information, amino acid conservation, physicochemical variation, residue mobility, and thermodynamic stability) performed at Invitae indicates that this missense variant is not expected to disrupt MYOM1 protein function. In summary, the available evidence is currently insufficient to determine the role of this variant in disease. Therefore, it has been classified as a Variant of Uncertain Significance.

NM_003803.4(MYOM1):c.793C>T (p.His265Tyr)

Gene: MYOM1 (myomesin 1; minus strand). Cytogenetic location: 18p11.31.
Variant type: single nucleotide variant.
Coding change: c.793C>T on transcript NM_003803.4 (MANE Select); coding-DNA position 793, C replaced by T.
Protein change: p.His265Tyr; replaces histidine 265 with tyrosine.
Molecular consequence: missense variant.
Genome position (GRCh38, 1-based): chr18:3,187,616, G>A on the plus strand (C>T on the coding strand, the complement: MYOM1 is on the minus strand). VCF-style: chr18-3187616-G-A. GRCh37 (hg19) VCF-style: chr18-3187614-G-A.
Other names: c.793C>T, p.His265Tyr (NM_019856.2); short protein forms H265Y.
Identifiers: ClinVar variation 2749680 (VCV002749680.3), dbSNP rs923932365, ClinGen allele CA295516672.